The following is an entry in ClinVar:

NM_000548.5(TSC2):c.2330A>C (p.His777Pro)

Gene: TSC2 (TSC complex subunit 2; plus strand). Cytogenetic location: 16p13.3.
Variant type: single nucleotide variant.
Coding change: c.2330A>C on transcript NM_000548.5 (MANE Select); coding-DNA position 2330, A replaced by C.
Protein change: p.His777Pro; replaces histidine 777 with proline.
Molecular consequence: missense variant. On other transcripts: non-coding transcript variant (5).
Genome position (GRCh38, 1-based): chr16:2,072,958, A>C. VCF-style: chr16-2072958-A-C. GRCh37 (hg19) VCF-style: chr16-2122959-A-C.
Other names: c.2330A>C, p.His777Pro (NM_001114382.3, NM_001077183.3, NM_021055.3 and 6 more transcripts); c.2219A>C, p.His740Pro (NM_001318827.2, NM_001406670.1, NM_001406678.1); c.728A>C, p.His243Pro (NM_001406698.1); c.2183A>C, p.His728Pro (NM_001406679.1, NM_001318829.2, NM_001406675.1 and 1 more transcripts); c.1730A>C, p.His577Pro (NM_001406680.1, NM_001318831.2, NM_001406682.1 and 6 more transcripts); c.986A>C, p.His329Pro (NM_001406690.1, NM_001406691.1, NM_001406692.1 and 6 more transcripts); c.2420A>C, p.His807Pro (NM_001406668.1, NM_001406667.1); c.2318A>C, p.His773Pro (NM_001406671.1, NM_001406673.1); and 3 more; short protein forms H773P, H243P, H623P, H740P, H577P, H758P, H777P, H807P.
Identifiers: ClinVar variation 2767023 (VCV002767023.3), dbSNP rs759528809, ClinGen allele CA394276661.

ClinVar aggregate classification (germline): Uncertain significance (1 of 4 stars; one submission).

Conditions:
Tuberous sclerosis 2 (TSC2). Identifiers: Orphanet 805, MedGen C1860707, MONDO:0013199, OMIM 613254.

Submission:

Labcorp Genetics (formerly Invitae), Labcorp
Classification: Uncertain significance for Tuberous sclerosis 2. Last evaluated: 2025-07-30. Review status: criteria provided, single submitter. Criteria: Invitae Variant Classification Sherloc (09022015). Collection method: clinical testing. Allele origin: germline.
Comment: This sequence change replaces histidine, which is basic and polar, with proline, which is neutral and non-polar, at codon 777 of the TSC2 protein (p.His777Pro). This variant is not present in population databases (gnomAD no frequency). This variant has not been reported in the literature in individuals affected with TSC2-related conditions. ClinVar contains an entry for this variant (Variation ID: 2767023). Invitae Evidence Modeling of protein sequence and biophysical properties (such as structural, functional, and spatial information, amino acid conservation, physicochemical variation, residue mobility, and thermodynamic stability) indicates that this missense variant is expected to disrupt TSC2 protein function with a positive predictive value of 80%. In summary, the available evidence is currently insufficient to determine the role of this variant in disease. Therefore, it has been classified as a Variant of Uncertain Significance.